The following is an entry in ClinVar:

ClinVar aggregate classification (germline): Uncertain significance (1 of 4 stars; one submission).

Conditions:
Glycogen storage disease IXb (GSD9B). Also called: GLYCOGENOSIS OF LIVER AND MUSCLE, AUTOSOMAL RECESSIVE; GSD IXb; PHOSPHORYLASE KINASE DEFICIENCY OF LIVER AND MUSCLE, AUTOSOMAL RECESSIVE. Identifiers: Orphanet 79240, MedGen C0543514, MONDO:0009868, OMIM 261750.

gnomAD v4.1: 1 of 1,513,514 alleles (0.000066%); highest among the groups gnomAD compares: Non-Finnish European, 0.000092%; no homozygotes.

Submission:

Labcorp Genetics (formerly Invitae), Labcorp
Classification: Uncertain significance for Glycogen storage disease IXb. Last evaluated: 2024-09-16. Review status: criteria provided, single submitter. Criteria: Invitae Variant Classification Sherloc (09022015). Collection method: clinical testing. Allele origin: germline.
Comment: This sequence change replaces valine, which is neutral and non-polar, with isoleucine, which is neutral and non-polar, at codon 1000 of the PHKB protein (p.Val1000Ile). This variant is not present in population databases (gnomAD no frequency). This variant has not been reported in the literature in individuals affected with PHKB-related conditions. An algorithm developed to predict the effect of missense changes on protein structure and function (PolyPhen-2) suggests that this variant is likely to be tolerated. In summary, the available evidence is currently insufficient to determine the role of this variant in disease. Therefore, it has been classified as a Variant of Uncertain Significance.

NM_000293.3(PHKB):c.2998G>A (p.Val1000Ile)

Gene: PHKB (phosphorylase kinase regulatory subunit beta; plus strand). Cytogenetic location: 16q12.1.
Variant type: single nucleotide variant.
Coding change: c.2998G>A on transcript NM_000293.3 (MANE Select); coding-DNA position 2998, G replaced by A.
Protein change: p.Val1000Ile; replaces valine 1000 with isoleucine.
Molecular consequence: missense variant.
Genome position (GRCh38, 1-based): chr16:47,696,483, G>A. VCF-style: chr16-47696483-G-A. GRCh37 (hg19) VCF-style: chr16-47730394-G-A.
Other names: c.2977G>A, p.Val993Ile (NM_001031835.3); c.2998G>A, p.Val1000Ile (NM_001363837.1); short protein forms V1000I, V993I.
Identifiers: ClinVar variation 3694232 (VCV003694232.2).
Genomic context (GRCh38, chr16:47,696,483, plus strand): 5'-TCTCTCCTTGTTGAAGACACGTTGGGAAATATTGACCAGCCACAGTACAGACAGATCGTT[G>A]TAGAGGTGAGTAGTAAGAAATGAAGATTGCTGAATAAATGCCTTCTCTCTGCTCCGTGAA-3'
Protein context (NP_000284.1, residues 990-1010): IDQPQYRQIV[Val1000Ile]ELLMVVSIVL